The following is an entry in ClinVar:

NM_000111.3(SLC26A3):c.2006C>T (p.Ser669Leu)

Gene: SLC26A3 (solute carrier family 26 member 3; minus strand). Cytogenetic location: 7q22.3.
Variant type: single nucleotide variant.
Coding change: c.2006C>T on transcript NM_000111.3 (MANE Select); coding-DNA position 2006, C replaced by T.
Protein change: p.Ser669Leu; replaces serine 669 with leucine.
Molecular consequence: missense variant.
Genome position (GRCh38, 1-based): chr7:107,773,921, G>A on the plus strand (C>T on the coding strand, the complement: SLC26A3 is on the minus strand). VCF-style: chr7-107773921-G-A. GRCh37 (hg19) VCF-style: chr7-107414366-G-A.
Other names: short protein forms S669L.
Identifiers: ClinVar variation 1382468 (VCV001382468.5), dbSNP rs762034228, ClinGen allele CA368849965.

ClinVar aggregate classification (germline): Uncertain significance (1 of 4 stars; one submission).

Allele frequency attached by ClinVar (database versions not stated): gnomAD 0.00001; gnomAD exomes 0.00001; TOPMed 0.00001.
gnomAD v4.1: 15 of 1,607,286 alleles (0.00093%); highest among the groups gnomAD compares: Admixed American, 0.005%; no homozygotes.

Submission:

Labcorp Genetics (formerly Invitae), Labcorp
Classification: Uncertain significance. Last evaluated: 2022-08-16. Review status: criteria provided, single submitter. Criteria: Invitae Variant Classification Sherloc (09022015). Collection method: clinical testing. Allele origin: germline.
Comment: This sequence change replaces serine, which is neutral and polar, with leucine, which is neutral and non-polar, at codon 669 of the SLC26A3 protein (p.Ser669Leu). The frequency data for this variant in the population databases is considered unreliable, as metrics indicate poor data quality at this position in the gnomAD database. This variant has not been reported in the literature in individuals affected with SLC26A3-related conditions. ClinVar contains an entry for this variant (Variation ID: 1382468). Algorithms developed to predict the effect of missense changes on protein structure and function (SIFT, PolyPhen-2, Align-GVGD) all suggest that this variant is likely to be tolerated. Algorithms developed to predict the effect of sequence changes on RNA splicing suggest that this variant may create or strengthen a splice site. In summary, the available evidence is currently insufficient to determine the role of this variant in disease. Therefore, it has been classified as a Variant of Uncertain Significance.